The following is an entry in ClinVar:

ClinVar aggregate classification (germline): Uncertain significance. Review status: criteria provided, multiple submitters, no conflicts (2 of 4 stars). 2 submissions from 2 submitters: Uncertain significance (2). Last evaluated 2025-07-21.

Conditions:
Familial adenomatous polyposis 1 (FAP1). Also called: FAMILIAL ADENOMATOUS POLYPOSIS 1, ATTENUATED; POLYPOSIS, ADENOMATOUS INTESTINAL. Identifiers: MedGen C2713442, MONDO:0021056, OMIM 175100. Disease mechanism: loss of function.
Hereditary cancer-predisposing syndrome. Also called: Tumor predisposition; Hereditary Cancer Syndrome; Neoplastic Syndromes, Hereditary; Hereditary neoplastic syndrome. Identifiers: Orphanet 140162, MedGen C0027672, MeSH D009386, MONDO:0015356.

Allele frequency attached by ClinVar (database versions not stated): gnomAD exomes below 0.00001.
gnomAD v4.1: 1 of 1,614,194 alleles (0.000062%); highest among the groups gnomAD compares: Non-Finnish European, 0.000085%; no homozygotes.

Submissions (2):

Labcorp Genetics (formerly Invitae), Labcorp
Classification: Uncertain significance for Familial adenomatous polyposis 1. Last evaluated: 2025-07-21. Review status: criteria provided, single submitter. Criteria: Invitae Variant Classification Sherloc (09022015). Collection method: clinical testing. Allele origin: germline.
Comment: This sequence change replaces serine, which is neutral and polar, with threonine, which is neutral and polar, at codon 905 of the APC protein (p.Ser905Thr). This variant is not present in population databases (gnomAD no frequency). This variant has not been reported in the literature in individuals affected with APC-related conditions. ClinVar contains an entry for this variant (Variation ID: 821703). Invitae Evidence Modeling of protein sequence and biophysical properties (such as structural, functional, and spatial information, amino acid conservation, physicochemical variation, residue mobility, and thermodynamic stability) indicates that this missense variant is not expected to disrupt APC protein function with a negative predictive value of 95%. In summary, the available evidence is currently insufficient to determine the role of this variant in disease. Therefore, it has been classified as a Variant of Uncertain Significance.

Ambry Genetics
Classification: Uncertain significance for Hereditary cancer-predisposing syndrome. Last evaluated: 2019-04-01. Review status: criteria provided, single submitter. Criteria: Ambry Variant Classification Scheme 2023. Collection method: clinical testing. Allele origin: germline.
Comment: The p.S905T variant (also known as c.2714G>C), located in coding exon 15 of the APC gene, results from a G to C substitution at nucleotide position 2714. The serine at codon 905 is replaced by threonine, an amino acid with similar properties. This amino acid position is well conserved in available vertebrate species. In addition, in silico predictors for this gene do not accurately predict pathogenicity. Since supporting evidence is limited at this time, the clinical significance of this alteration remains unclear.

NM_000038.6(APC):c.2714G>C (p.Ser905Thr)

Gene: APC (APC regulator of Wnt signaling pathway; plus strand). Cytogenetic location: 5q22.2.
Variant type: single nucleotide variant.
Coding change: c.2714G>C on transcript NM_000038.6 (MANE Select); coding-DNA position 2714, G replaced by C.
Protein change: p.Ser905Thr; replaces serine 905 with threonine.
Molecular consequence: missense variant.
Genome position (GRCh38, 1-based): chr5:112,838,308, G>C. VCF-style: chr5-112838308-G-C. GRCh37 (hg19) VCF-style: chr5-112174005-G-C.
Other names: c.2714G>C, p.Ser905Thr (NM_001127510.3, NM_001354895.2); c.2660G>C, p.Ser887Thr (NM_001127511.3); c.2768G>C, p.Ser923Thr (NM_001354896.2); c.2744G>C, p.Ser915Thr (NM_001354897.2); c.2639G>C, p.Ser880Thr (NM_001354898.2); c.2630G>C, p.Ser877Thr (NM_001354899.2); c.2591G>C, p.Ser864Thr (NM_001354900.2); c.2537G>C, p.Ser846Thr (NM_001354901.2); and 5 more; short protein forms S864T, S915T, S779T, S880T, S905T, S846T, S877T, S923T.
Identifiers: ClinVar variation 821703 (VCV000821703.12), dbSNP rs1580626106, ClinGen allele CA16027257.